The following is an entry in ClinVar:

ClinVar aggregate classification (germline): Conflicting classifications of pathogenicity. Review status: criteria provided, conflicting classifications (1 of 4 stars). 20 submissions from 20 submitters: Uncertain significance (3); Benign (3); Likely benign (11). 3 of the submissions do not count toward it. Last evaluated 2026-08-01.

Conditions:
Hereditary nonpolyposis colorectal neoplasms. Identifiers: MedGen C0009405, MeSH D003123.
PMS2-related disorder. Also called: PMS2-related condition.
Hereditary cancer-predisposing syndrome. Also called: Neoplastic Syndromes, Hereditary; Hereditary Cancer Syndrome; Tumor predisposition; Hereditary neoplastic syndrome. Identifiers: Orphanet 140162, MedGen C0027672, MeSH D009386, MONDO:0015356.
Breast and/or ovarian cancer. Identifiers: MedGen CN221562.
Lynch syndrome 4 (LYNCH4). Also called: Colorectal cancer, hereditary nonpolyposis, type 4; Hereditary non-polyposis colorectal cancer, type 4. Identifiers: Orphanet 144, MedGen C1838333, MONDO:0013699, OMIM 614337. Disease mechanism: loss of function.
Mismatch repair cancer syndrome 1 (MMRCS1). Also called: MISMATCH REPAIR DEFICIENCY; MMR DEFICIENCY; BRAIN TUMOR-POLYPOSIS SYNDROME 1; BTP1 SYNDROME; CHILDHOOD CANCER SYNDROME. Identifiers: Orphanet 252202, MedGen C5399763, MONDO:0010159, OMIM 276300. Disease mechanism: loss of function.
Malignant tumor of breast. Also called: Malignant breast neoplasm; Cancer breast. Identifiers: MedGen C0006142, MONDO:0007254. Disease mechanism: loss of function.

Allele frequency attached by ClinVar (database versions not stated): gnomAD exomes 0.00114; ExAC 0.00142; gnomAD 0.00192 and 0.00202; ESP Exome Variant Server 0.00208; 1000 Genomes Project 30x 0.00422; 1000 Genomes Project 0.00439.
gnomAD v4.1: 992 of 1,606,010 alleles (0.062%); highest among the groups gnomAD compares: African/African-American, 0.66%; 33 homozygotes.

Submissions 1 to 12 of 20:

CeGaT Center for Human Genetics Tuebingen
Classification: Likely benign. Last evaluated: 2026-08-01. Review status: criteria provided, single submitter. Criteria: CeGaT Center For Human Genetics Tuebingen Variant Classification Criteria Version 2. Collection method: clinical testing. Allele origin: germline. Affected: yes. Observed: 4 variant alleles.
Comment: PMS2: BS2

Dasa
Classification: Benign. Last evaluated: 2026-04-05. Review status: criteria provided, single submitter. Criteria: DASA Assertion Criteria. Collection method: clinical testing. Allele origin: germline.
Comment: NM_000535.7(PMS2):c.2350G>A (p.Asp784Asn) is a missense variant that results in the substitution of aspartic acid with asparagine. Population frequency is inconsistent with a disease-causing role for this variant, and observations in unaffected individuals support a benign interpretation. Therefore, based on the currently available evidence, this variant is classified as benign.

Labcorp Genetics (formerly Invitae), Labcorp
Classification: Likely benign for Hereditary nonpolyposis colorectal neoplasms. Last evaluated: 2026-02-03. Review status: criteria provided, single submitter. Criteria: Invitae Variant Classification Sherloc (09022015). Collection method: clinical testing. Allele origin: germline.

Quest Diagnostics Nichols Institute San Juan Capistrano
Classification: Uncertain significance. Last evaluated: 2025-10-23. Review status: criteria provided, single submitter. Criteria: Quest Diagnostics criteria. Collection method: clinical testing. Allele origin: unknown.
Comment: The PMS2 c.2350G>A (p.Asp784Asn) variant has been reported in the published literature in individuals with ovarian cancer (PMID: 30093976 (2018)), suspected Lynch syndrome (PMID: 25980754 (2015)), and breast cancer (PMIDs: 25186627 (2015), 32039725 (2020), 32959997 (2020), and 33471991 (2021); LOVD). In addition, this variant has been observed in reportedly unaffected individuals (PMIDs: 31422574 (2019) and 33471991 (2021); LOVD). The frequency of this variant in the general population (Genome Aggregation Database) is higher than would generally be expected for pathogenic variants in this gene. However, frequency information may be unreliable in this region due to high homology with the PMS2 pseudogene PMS2CL. Analysis of this variant using bioinformatics tools for the prediction of the effect of amino acid changes on protein structure and function yielded conflicting predictions that this variant is benign or damaging. Based on the available information, we are unable to determine the clinical significance of this variant.

Center for Genomic Medicine, Rigshospitalet, Copenhagen University Hospital
Classification: Likely benign. Last evaluated: 2025-03-04. Review status: criteria provided, single submitter. Criteria: ACMG Guidelines, 2015. Collection method: clinical testing. Allele origin: germline.

Color Diagnostics, LLC DBA Color Health
Classification: Uncertain significance for Hereditary cancer-predisposing syndrome. Last evaluated: 2025-01-15. Review status: criteria provided, single submitter. Criteria: ACMG Guidelines, 2015. Collection method: clinical testing. Allele origin: germline.
Comment: This missense variant replaces aspartic acid with asparagine at codon 784 of the PMS2 protein. Computational prediction suggests that this variant may not impact protein structure and function. To our knowledge, functional studies have not been reported for this variant. This variant has been reported in individuals affected with Lynch syndrome (PMID: 25980754) and breast/ovarian cancer (PMID: 25186627, 32039725, 32959997). This variant has been identified in 278/244936 chromosomes in the general population by the Genome Aggregation Database (gnomAD). However, this observed allele frequency is not considered reliable, because the gnomAD dataset does not disambiguate possible interference from homologous sequences in the PMS2CL pseudogene. The available evidence is insufficient to determine the role of this variant in disease conclusively. Therefore, this variant is classified as a Variant of Uncertain Significance.

Mendelics
Classification: Benign for Lynch syndrome 4. Last evaluated: 2023-08-22. Review status: criteria provided, single submitter. Criteria: Mendelics Assertion Criteria 2019. Collection method: clinical testing. Allele origin: germline.

CHEO Genetics Diagnostic Laboratory, Children's Hospital of Eastern Ontario
Classification: Likely benign for Breast and/or ovarian cancer. Last evaluated: 2023-04-26. Review status: criteria provided, single submitter. Criteria: ACMG Guidelines, 2015. Collection method: clinical testing. Allele origin: germline.

Myriad Genetics, Inc.
Classification: Likely benign for Lynch syndrome 4. Last evaluated: 2023-04-05. Review status: criteria provided, single submitter. Criteria: Myriad Autosomal Dominant, Autosomal Recessive and X-Linked Classification Criteria (2023). Collection method: clinical testing. Allele origin: unknown.
Comment: This variant is considered likely benign. Homozygosity for this variant has been confirmed in one or more individuals lacking clinical features consistent with gene-specific recessive disease, indicating that this variant is unlikely to be pathogenic.

Genetic Services Laboratory, University of Chicago
Classification: Likely benign. Last evaluated: 2021-11-30. Review status: criteria provided, single submitter. Criteria: ACMG Guidelines, 2015. Collection method: clinical testing. Allele origin: germline. Affected: no.
Comment: This sequence change does not appear to have been previously described in patients with PMS2-related disorders. Due to high homology with other regions of the genome, the information regarding this sequence change in the population databases such as ExAC and gnomAD may not reliable. The p.Asp784Asn change affects a moderately conserved amino acid residue located in a domain of the PMS2 protein that is known to be functional. In-silico pathogenicity prediction tools (SIFT, PolyPhen2, Align GVGD, REVEL) provide contradictory results for the p.Asp784Asn substitution. Due to these contrasting evidences and the lack of functional studies, the clinical significance of the p.Asp784Asn change remains unknown at this time.

Sema4
Classification: Likely benign for Hereditary cancer-predisposing syndrome. Last evaluated: 2021-04-01. Review status: criteria provided, single submitter. Criteria: Sema4 Curation Guidelines. Collection method: curation. Allele origin: germline.

Genetics and Molecular Pathology, SA Pathology
Classification: Benign for Lynch syndrome 4. Last evaluated: 2020-10-15. Review status: criteria provided, single submitter. Criteria: ACMG Guidelines, 2015. Collection method: clinical testing. Allele origin: germline. Inheritance: Autosomal dominant inheritance. Affected: yes.
Comment: .The PMS2 c.2350G>A variant is classified as Benign (BS2)

NM_000535.7(PMS2):c.2350G>A (p.Asp784Asn)

Gene: PMS2 (PMS1 homolog 2, mismatch repair system component; minus strand). Cytogenetic location: 7p22.1.
Variant type: single nucleotide variant.
Coding change: c.2350G>A on transcript NM_000535.7 (MANE Select); coding-DNA position 2350, G replaced by A.
Protein change: p.Asp784Asn; replaces aspartic acid 784 with asparagine.
Molecular consequence: missense variant. On other transcripts: non-coding transcript variant (1).
Genome position (GRCh38, 1-based): chr7:5,977,683, C>T on the plus strand (G>A on the coding strand, the complement: PMS2 is on the minus strand). VCF-style: chr7-5977683-C-T. GRCh37 (hg19) VCF-style: chr7-6017314-C-T.
Other names: c.1945G>A, p.Asp649Asn (NM_001322003.2, NM_001322004.2, NM_001322005.2); c.2194G>A, p.Asp732Asn (NM_001322006.2); c.2032G>A, p.Asp678Asn (NM_001322007.2, NM_001322008.2); c.1978G>A, p.Asp660Asn (NM_001322009.2); c.1789G>A, p.Asp597Asn (NM_001322010.2); c.1417G>A, p.Asp473Asn (NM_001322011.2, NM_001322012.2); c.1777G>A, p.Asp593Asn (NM_001322013.2); c.2383G>A, p.Asp795Asn (NM_001322014.2); and 1 more; short protein forms D784N, D678N, D795N, D593N, D597N, D649N, D681N, D732N.
Identifiers: ClinVar variation 127780 (VCV000127780.65), dbSNP rs143340522, ClinGen allele CA011325.